The following is an entry in ClinVar:

NM_004006.3(DMD):c.6836T>G (p.Val2279Gly)

Gene: DMD (dystrophin; minus strand). Cytogenetic location: Xp21.1.
Variant type: single nucleotide variant.
Coding change: c.6836T>G on transcript NM_004006.3 (MANE Select); coding-DNA position 6836, T replaced by G.
Protein change: p.Val2279Gly; replaces valine 2279 with glycine.
Molecular consequence: missense variant. On other transcripts: 5 prime UTR variant (5).
Genome position (GRCh38, 1-based): chrX:31,929,672, A>C on the plus strand (T>G on the coding strand, the complement: DMD is on the minus strand). VCF-style: chrX-31929672-A-C. GRCh37 (hg19) VCF-style: chrX-31947789-A-C.
Other names: c.6812T>G, p.Val2271Gly (NM_000109.4); c.6824T>G, p.Val2275Gly (NM_004009.3); c.6467T>G, p.Val2156Gly (NM_004010.3); c.2813T>G, p.Val938Gly (NM_004011.4); c.2804T>G, p.Val935Gly (NM_004012.4); c.-545T>G (NM_004013.3, NM_004020.4, NM_004021.3 and 2 more transcripts); short protein forms V2275G, V2156G, V2271G, V2279G, V935G, V938G.
Identifiers: ClinVar variation 1420188 (VCV001420188.10), dbSNP rs2149989725, ClinGen allele CA412657921.

ClinVar aggregate classification (germline): Uncertain significance (1 of 4 stars; one submission).

Conditions:
Duchenne muscular dystrophy (DMD). Also called: MUSCULAR DYSTROPHY, PSEUDOHYPERTROPHIC PROGRESSIVE, DUCHENNE TYPE; Duchenne Muscular Dystrophy (DMD). Identifiers: Orphanet 98896, MedGen C0013264, MONDO:0010679, OMIM 310200.

gnomAD v4.1: 1 of 1,211,265 alleles (0.000083%); highest among the groups gnomAD compares: Non-Finnish European, 0.00011%; no homozygotes.

Submission:

Labcorp Genetics (formerly Invitae), Labcorp
Classification: Uncertain significance for Duchenne muscular dystrophy. Last evaluated: 2022-07-09. Review status: criteria provided, single submitter. Criteria: Invitae Variant Classification Sherloc (09022015). Collection method: clinical testing. Allele origin: germline.
Comment: In summary, the available evidence is currently insufficient to determine the role of this variant in disease. Therefore, it has been classified as a Variant of Uncertain Significance. Algorithms developed to predict the effect of missense changes on protein structure and function are either unavailable or do not agree on the potential impact of this missense change (SIFT: "Tolerated"; PolyPhen-2: "Possibly Damaging"; Align-GVGD: "Class C0"). ClinVar contains an entry for this variant (Variation ID: 1420188). This variant has not been reported in the literature in individuals affected with DMD-related conditions. This variant is not present in population databases (gnomAD no frequency). This sequence change replaces valine, which is neutral and non-polar, with glycine, which is neutral and non-polar, at codon 2279 of the DMD protein (p.Val2279Gly).